The following is an entry in ClinVar:

ClinVar aggregate classification (germline): Uncertain significance. Review status: criteria provided, multiple submitters, no conflicts (2 of 4 stars). 2 submissions from 2 submitters: Uncertain significance (2). Last evaluated 2023-11-27.

Conditions:
Joubert syndrome. Also called: CEREBELLOPARENCHYMAL DISORDER IV; JOUBERT-BOLTSHAUSER SYNDROME; Familial aplasia of the vermis. Identifiers: Orphanet 475, MedGen C5979921, MONDO:0018772.

Submissions (2):

Labcorp Genetics (formerly Invitae), Labcorp
Classification: Uncertain significance for Joubert syndrome. Last evaluated: 2023-11-27. Review status: criteria provided, single submitter. Criteria: Invitae Variant Classification Sherloc (09022015). Collection method: clinical testing. Allele origin: germline.
Comment: This sequence change replaces alanine, which is neutral and non-polar, with valine, which is neutral and non-polar, at codon 488 of the AHI1 protein (p.Ala488Val). This variant is not present in population databases (gnomAD no frequency). This variant has not been reported in the literature in individuals affected with AHI1-related conditions. ClinVar contains an entry for this variant (Variation ID: 2145723). Advanced modeling of protein sequence and biophysical properties (such as structural, functional, and spatial information, amino acid conservation, physicochemical variation, residue mobility, and thermodynamic stability) performed at Invitae indicates that this missense variant is not expected to disrupt AHI1 protein function with a negative predictive value of 95%. In summary, the available evidence is currently insufficient to determine the role of this variant in disease. Therefore, it has been classified as a Variant of Uncertain Significance.

GeneDx
Classification: Uncertain significance. Last evaluated: 2023-11-03. Review status: criteria provided, single submitter. Criteria: GeneDx Variant Classification Process June 2021. Collection method: clinical testing. Allele origin: germline. Affected: yes.
Comment: Not observed at significant frequency in large population cohorts (gnomAD); In silico analysis supports that this missense variant does not alter protein structure/function; Has not been previously published as pathogenic or benign to our knowledge

NM_001134831.2(AHI1):c.1463C>T (p.Ala488Val)

Gene: AHI1 (Abelson helper integration site 1; minus strand). Cytogenetic location: 6q23.3.
Variant type: single nucleotide variant.
Coding change: c.1463C>T on transcript NM_001134831.2 (MANE Select); coding-DNA position 1463, C replaced by T.
Protein change: p.Ala488Val; replaces alanine 488 with valine.
Molecular consequence: missense variant.
Genome position (GRCh38, 1-based): chr6:135,448,453, G>A on the plus strand (C>T on the coding strand, the complement: AHI1 is on the minus strand). VCF-style: chr6-135448453-G-A. GRCh37 (hg19) VCF-style: chr6-135769591-G-A.
Other names: c.1463C>T, p.Ala488Val (NM_001134830.2, NM_001134832.2, NM_001350503.2 and 2 more transcripts); c.1463C>T (NM_017651.4); short protein forms A488V.
Identifiers: ClinVar variation 2145723 (VCV002145723.5), dbSNP rs2484790137, ClinGen allele CA365745645.
Genomic context (GRCh38, chr6:135,448,453, plus strand): 5'-GGGGATCGAGGCTTAGTAGGTGGGTAATATAGCTGCAAGCGAAGTTTTGAGTTGATGTTT[G>A]CATTTCCATTGGCTCCCAGAAGCTTAAAATAAGAATTCATATAAAATGTTACCTTCATTG-3'
Protein context (NP_001128303.1, residues 478-498): FLKLLGANGN[Ala488Val]NINSKLRLQL